The following is an entry in ClinVar:

ClinVar aggregate classification (germline): Likely benign. Review status: criteria provided, multiple submitters, no conflicts (2 of 4 stars). 3 submissions from 3 submitters: Likely benign (3). Last evaluated 2026-01-28.

Conditions:
Peroxisome biogenesis disorder. Identifiers: Orphanet 79189, MedGen C1832200, MONDO:0019234. Disease mechanism: loss of function.

Allele frequency attached by ClinVar (database versions not stated): gnomAD below 0.00001 and 0.00005; TOPMed 0.00001; gnomAD exomes 0.00005 and 0.00014; ExAC 0.00015; 1000 Genomes Project 0.00040; 1000 Genomes Project 30x 0.00062.
gnomAD v4.1: 87 of 1,597,298 alleles (0.0054%); highest among the groups gnomAD compares: South Asian, 0.089%; no homozygotes.

Submissions (3):

Labcorp Genetics (formerly Invitae), Labcorp
Classification: Likely benign for Peroxisome biogenesis disorder. Last evaluated: 2026-01-28. Review status: criteria provided, single submitter. Criteria: Invitae Variant Classification Sherloc (09022015). Collection method: clinical testing. Allele origin: germline.

CeGaT Center for Human Genetics Tuebingen
Classification: Likely benign. Last evaluated: 2024-04-01. Review status: criteria provided, single submitter. Criteria: CeGaT Center For Human Genetics Tuebingen Variant Classification Criteria Version 2. Collection method: clinical testing. Allele origin: germline. Affected: yes. Observed: 1 variant allele.
Comment: PEX6: BP4

Blueprint Genetics
Classification: Likely benign. Last evaluated: 2023-06-28. Review status: criteria provided, single submitter. Criteria: ACMG Guidelines, 2015. Collection method: clinical testing. Allele origin: germline.

NM_000287.4(PEX6):c.1479+7G>A

Gene: PEX6 (peroxisomal biogenesis factor 6; minus strand). Cytogenetic location: 6p21.1.
Variant type: single nucleotide variant.
Coding change: c.1479+7G>A on transcript NM_000287.4 (MANE Select); 7 bases into the intron after coding-DNA position 1479, G replaced by A.
Molecular consequence: intron variant.
Genome position (GRCh38, 1-based): chr6:42,968,867, C>T on the plus strand (G>A on the coding strand, the complement: PEX6 is on the minus strand). VCF-style: chr6-42968867-C-T. GRCh37 (hg19) VCF-style: chr6-42936605-C-T.
Other names: c.1215+7G>A (NM_001316313.2).
Identifiers: ClinVar variation 763119 (VCV000763119.31), dbSNP rs528161793, ClinGen allele CA3811323.
Genomic context (GRCh38, chr6:42,968,867, plus strand): 5'-AGCAGAGAGGGAGAACATGAGCTGGGGAGGGGAAGTAGCTGGGGTTCTACTCTCCAGAGA[C>T]CCTCACCTTCAGTAAGTGGAGCCCAAGGTGACTACAGGCAGCAGCAACTACTGTGGTCTT-3'